The following is an entry in ClinVar:

NM_002529.4(NTRK1):c.785A>G (p.Asn262Ser)

Gene: NTRK1 (neurotrophic receptor tyrosine kinase 1; plus strand). Cytogenetic location: 1q23.1.
Variant type: single nucleotide variant.
Coding change: c.785A>G on transcript NM_002529.4 (MANE Select); coding-DNA position 785, A replaced by G.
Protein change: p.Asn262Ser; replaces asparagine 262 with serine.
Molecular consequence: missense variant.
Genome position (GRCh38, 1-based): chr1:156,871,690, A>G. VCF-style: chr1-156871690-A-G. GRCh37 (hg19) VCF-style: chr1-156841482-A-G.
Other names: c.695A>G, p.Asn232Ser (NM_001007792.1); c.785A>G, p.Asn262Ser (NM_001012331.2); short protein forms N262S, N232S.
Identifiers: ClinVar variation 1031723 (VCV001031723.1), dbSNP rs1647563990, ClinGen allele CA342935155.

ClinVar aggregate classification (germline): Uncertain significance (1 of 4 stars; one submission).

Conditions:
Hereditary insensitivity to pain with anhidrosis (CIPA). Also called: HSAN Type IV; hereditary sensory and autonomic neuropathy type 4; INSENSITIVITY TO PAIN, CONGENITAL, WITH ANHIDROSIS; NEUROPATHY, CONGENITAL SENSORY, WITH ANHIDROSIS; NTRK1 Congenital Insensitivity to Pain with Anhidrosis; FAMILIAL DYSAUTONOMIA, TYPE II. Identifiers: Orphanet 642, MedGen C0020074, MONDO:0009746, OMIM 256800.

Submission:

Baylor Genetics
Classification: Uncertain significance for Hereditary insensitivity to pain with anhidrosis. Last evaluated: 2018-11-15. Review status: criteria provided, single submitter. Criteria: ACMG Guidelines, 2015. Collection method: clinical testing. Allele origin: maternal. Affected: yes.
Comment: This variant was determined to be of uncertain significance according to ACMG Guidelines, 2015 [PMID:25741868].